The following is an entry in ClinVar:

NM_000255.4(MMUT):c.2250ATA[1] (p.Ter751Xaa)

Gene: MMUT (methylmalonyl-CoA mutase; minus strand). Cytogenetic location: 6p12.3.
Variant type: Microsatellite.
Coding change: c.2250ATA[1] on transcript NM_000255.4 (MANE Select); one copy of the 3-base unit ATA starting at c.2250; the reference has two copies in a row; one copy, 3 bases deleted.
Protein change: p.Ter751Xaa.
Molecular consequence: stop lost.
Genome position (GRCh38, 1-based): chr6:49,431,726-49,431,728, TAT deleted on the plus strand (ATA on the coding strand, the reverse complement: MMUT is on the minus strand); deleting any 3 consecutive bases within chr6:49,431,726-49,431,731 gives the same sequence; the position shown is the placement nearest the transcript's 3' end. VCF-style (leftmost placement, unchanged base first): chr6-49431725-ATAT-A. GRCh37 (hg19) VCF-style: chr6-49399438-ATAT-A.
Identifiers: ClinVar variation 5004810 (VCV005004810.1).

ClinVar aggregate classification (germline): Uncertain significance (1 of 4 stars; one submission).

Conditions:
Methylmalonic aciduria due to methylmalonyl-CoA mutase deficiency (MAMM). Also called: Methylmalonic aciduria, mut type. Identifiers: Orphanet 27, MedGen C1855114, MONDO:0009612, OMIM 251000.

Submission:

Myriad Genetics, Inc.
Classification: Uncertain significance for Methylmalonic aciduria due to methylmalonyl-CoA mutase deficiency. Last evaluated: 2026-07-23. Review status: criteria provided, single submitter. Criteria: Myriad Autosomal Dominant, Autosomal Recessive and X-Linked Classification Criteria (2023). Collection method: clinical testing. Allele origin: unknown.
Comment: NM_000255.3(MMUT):c.2253_*2delATA(*751Yext*9) is a stop-loss variant classified as a variant of uncertain significance in the context of methylmalonic acidemia, MMUT-related. *751Yext*9 has not been observed in cases with relevant disease. Relevant functional assessments of this variant are not available in the literature. *751Yext*9 has not been observed in referenced population frequency databases. In summary, there is insufficient evidence to classify NM_000255.3(MMUT):c.2253_*2delATA(*751Yext*9) as pathogenic or benign. Please note: this variant was assessed in the context of healthy population screening.